The following is an entry in ClinVar:

NM_001042492.3(NF1):c.4217del (p.Gly1406fs)

Gene: NF1 (neurofibromin 1; plus strand). Cytogenetic location: 17q11.2.
Variant type: Deletion.
Coding change: c.4217del on transcript NM_001042492.3 (MANE Select); coding-DNA position 4217, one base deleted (G; older notation c.4217delG).
Protein change: p.Gly1406fs; shifts the reading frame from glycine 1406.
Molecular consequence: frameshift variant.
Genome position (GRCh38, 1-based): chr17:31,258,387, G deleted; the last of 2 consecutive G bases (chr17:31,258,386-31,258,387); deleting either gives the same sequence. VCF-style (leftmost placement, unchanged base first): chr17-31258385-AG-A. GRCh37 (hg19) VCF-style: chr17-29585403-AG-A.
Other names: c.4154delG, p.Gly1385Glufs (NM_000267.4); short protein forms G1385fs, G1406fs.
Identifiers: ClinVar variation 1350444 (VCV001350444.9), dbSNP rs2151461905, ClinGen allele CA2573153592.

ClinVar aggregate classification (germline): Pathogenic. Review status: criteria provided, multiple submitters, no conflicts (2 of 4 stars). 2 submissions from 2 submitters: Pathogenic (2). Last evaluated 2025-05-21.

Conditions:
Neurofibromatosis, type 1 (NF1). Also called: VON RECKLINGHAUSEN DISEASE; Peripheral type neurofibromatosis; Neurofibromatosis, type I; NEUROFIBROMATOSIS, TYPE I, SOMATIC. Identifiers: Orphanet 636, MedGen C0027831, MONDO:0018975, OMIM 162200. Disease mechanism: loss of function.

Submissions (2):

GeneDx
Classification: Pathogenic. Last evaluated: 2025-05-21. Review status: criteria provided, single submitter. Criteria: GeneDx Variant Classification Process June 2021. Collection method: clinical testing. Allele origin: germline. Affected: yes.
Comment: Frameshift variant predicted to result in protein truncation or nonsense mediated decay in a gene for which loss of function is a known mechanism of disease; Not observed at significant frequency in large population cohorts (gnomAD); This variant is associated with the following publications: (PMID: 26056819)

Labcorp Genetics (formerly Invitae), Labcorp
Classification: Pathogenic for Neurofibromatosis, type 1. Last evaluated: 2024-10-06. Review status: criteria provided, single submitter. Criteria: Invitae Variant Classification Sherloc (09022015). Collection method: clinical testing. Allele origin: germline.
Comment: This sequence change creates a premature translational stop signal (p.Gly1385Glufs*22) in the NF1 gene. It is expected to result in an absent or disrupted protein product. Loss-of-function variants in NF1 are known to be pathogenic (PMID: 10712197, 23913538). This variant is not present in population databases (gnomAD no frequency). This premature translational stop signal has been observed in individual(s) with neurofibromatosis type 1 (PMID: 26056819). ClinVar contains an entry for this variant (Variation ID: 1350444). For these reasons, this variant has been classified as Pathogenic.

Literature cited by the submitters: PubMed 10712197 (cited by Labcorp Genetics (formerly Invitae), Labcorp); PubMed 23913538 (cited by Labcorp Genetics (formerly Invitae), Labcorp); PubMed 26056819 (cited by Labcorp Genetics (formerly Invitae), Labcorp).